The following is an entry in ClinVar:

ClinVar aggregate classification (germline): Uncertain significance. Review status: criteria provided, multiple submitters, no conflicts (2 of 4 stars). 2 submissions from 2 submitters: Uncertain significance (2). Last evaluated 2022-11-20.

Conditions:
Familial adenomatous polyposis 1 (FAP1). Also called: FAMILIAL ADENOMATOUS POLYPOSIS 1, ATTENUATED; POLYPOSIS, ADENOMATOUS INTESTINAL. Identifiers: MedGen C2713442, MONDO:0021056, OMIM 175100. Disease mechanism: loss of function.
Hereditary cancer-predisposing syndrome. Also called: Hereditary Cancer Syndrome; Hereditary neoplastic syndrome; Neoplastic Syndromes, Hereditary; Tumor predisposition. Identifiers: Orphanet 140162, MedGen C0027672, MeSH D009386, MONDO:0015356.

Submissions (2):

Ambry Genetics
Classification: Uncertain significance for Hereditary cancer-predisposing syndrome. Last evaluated: 2022-11-20. Review status: criteria provided, single submitter. Criteria: Ambry Variant Classification Scheme 2023. Collection method: clinical testing. Allele origin: germline.
Comment: The p.Q2480E variant (also known as c.7438C>G), located in coding exon 15 of the APC gene, results from a C to G substitution at nucleotide position 7438. The glutamine at codon 2480 is replaced by glutamic acid, an amino acid with highly similar properties. This amino acid position is conserved. In addition, in silico predictors for this gene do not accurately predict pathogenicity. Since supporting evidence is limited at this time, the clinical significance of this alteration remains unclear.

Labcorp Genetics (formerly Invitae), Labcorp
Classification: Uncertain significance for Familial adenomatous polyposis 1. Last evaluated: 2021-10-31. Review status: criteria provided, single submitter. Criteria: Invitae Variant Classification Sherloc (09022015). Collection method: clinical testing. Allele origin: germline.
Comment: This sequence change replaces glutamine, which is neutral and polar, with glutamic acid, which is acidic and polar, at codon 2480 of the APC protein (p.Gln2480Glu). This variant is not present in population databases (gnomAD no frequency). This variant has not been reported in the literature in individuals affected with APC-related conditions. Algorithms developed to predict the effect of missense changes on protein structure and function (SIFT, PolyPhen-2, Align-GVGD) all suggest that this variant is likely to be tolerated. In summary, the available evidence is currently insufficient to determine the role of this variant in disease. Therefore, it has been classified as a Variant of Uncertain Significance.

NM_000038.6(APC):c.7438C>G (p.Gln2480Glu)

Gene: APC (APC regulator of Wnt signaling pathway; plus strand). Cytogenetic location: 5q22.2.
Variant type: single nucleotide variant.
Coding change: c.7438C>G on transcript NM_000038.6 (MANE Select); coding-DNA position 7438, C replaced by G.
Protein change: p.Gln2480Glu; replaces glutamine 2480 with glutamic acid.
Molecular consequence: missense variant.
Genome position (GRCh38, 1-based): chr5:112,843,032, C>G. VCF-style: chr5-112843032-C-G. GRCh37 (hg19) VCF-style: chr5-112178729-C-G.
Other names: c.7438C>G (NM_000038.5); c.7438C>G, p.Gln2480Glu (NM_001127510.3, NM_001354895.2); c.7384C>G, p.Gln2462Glu (NM_001127511.3); c.7492C>G, p.Gln2498Glu (NM_001354896.2); c.7468C>G, p.Gln2490Glu (NM_001354897.2); c.7363C>G, p.Gln2455Glu (NM_001354898.2); c.7354C>G, p.Gln2452Glu (NM_001354899.2); c.7315C>G, p.Gln2439Glu (NM_001354900.2); and 6 more; short protein forms Q2421E, Q2452E, Q2197E, Q2354E, Q2389E, Q2439E, Q2480E, Q2320E.
Identifiers: ClinVar variation 1449206 (VCV001449206.7), dbSNP rs1554088359, ClinGen allele CA16037517.